The following is an entry in ClinVar:

ClinVar aggregate classification (germline): Uncertain significance (1 of 4 stars; one submission).

gnomAD v4.1: 1 of 1,614,156 alleles (0.000062%); highest among the groups gnomAD compares: African/African-American, 0.0013%; no homozygotes.

Submission:

CeGaT Center for Human Genetics Tuebingen
Classification: Uncertain significance. Last evaluated: 2026-08-01. Review status: criteria provided, single submitter. Criteria: CeGaT Center For Human Genetics Tuebingen Variant Classification Criteria Version 2. Collection method: clinical testing. Allele origin: germline. Affected: yes. Observed: 1 variant allele.
Comment: POU4F3: PM2

NM_002700.3(POU4F3):c.59A>C (p.Lys20Thr)

Genes: POU4F3 (POU class 4 homeobox 3; plus strand), RBM27-POU4F3 (RBM27-POU4F3 readthrough; plus strand). Cytogenetic location: 5q32.
Variant type: single nucleotide variant.
Coding change: c.59A>C on transcript NM_002700.3 (MANE Select); coding-DNA position 59, A replaced by C.
Protein change: p.Lys20Thr; replaces lysine 20 with threonine.
Molecular consequence: missense variant.
Genome position (GRCh38, 1-based): chr5:146,339,171, A>C. VCF-style: chr5-146339171-A-C. GRCh37 (hg19) VCF-style: chr5-145718734-A-C.
Other names: c.2892A>C, p.Gln964His (NM_001414499.1); short protein forms K20T, Q964H.
Identifiers: ClinVar variation 5040394 (VCV005040394.1).